The following is an entry in ClinVar:

NM_000179.3(MSH6):c.3760G>A (p.Glu1254Lys)

Gene: MSH6 (mutS homolog 6; plus strand). Cytogenetic location: 2p16.3.
Variant type: single nucleotide variant.
Coding change: c.3760G>A on transcript NM_000179.3 (MANE Select); coding-DNA position 3760, G replaced by A.
Protein change: p.Glu1254Lys; replaces glutamic acid 1254 with lysine.
Molecular consequence: missense variant.
Genome position (GRCh38, 1-based): chr2:47,806,317, G>A. VCF-style: chr2-47806317-G-A. GRCh37 (hg19) VCF-style: chr2-48033456-G-A.
Other names: c.3370G>A, p.Glu1124Lys (NM_001281492.2); c.2854G>A, p.Glu952Lys (NM_001281493.2, NM_001281494.2, NM_001406811.1 and 6 more transcripts); c.3856G>A, p.Glu1286Lys (NM_001406795.1, NM_001406802.1); c.3760G>A, p.Glu1254Lys (NM_001406796.1, NM_001406809.1, NM_001406800.1 and 1 more transcripts); c.3463G>A, p.Glu1155Lys (NM_001406797.1, NM_001406818.1, NM_001406830.1 and 10 more transcripts); c.3586G>A, p.Glu1196Lys (NM_001406798.1); c.3766G>A, p.Glu1256Lys (NM_001406813.1); c.2194G>A, p.Glu732Lys (NM_001406817.1); and 7 more; short protein forms E1124K, E569K, E732K, E952K, E1079K, E1196K, E1198K, E181K.
Identifiers: ClinVar variation 1734675 (VCV001734675.2), dbSNP rs1558392392, ClinGen allele CA346761099.

ClinVar aggregate classification (germline): Uncertain significance (1 of 4 stars; one submission).

Conditions:
Hereditary cancer-predisposing syndrome. Also called: Neoplastic Syndromes, Hereditary; Tumor predisposition; Hereditary Cancer Syndrome; Hereditary neoplastic syndrome. Identifiers: Orphanet 140162, MedGen C0027672, MeSH D009386, MONDO:0015356.

Submission:

Ambry Genetics
Classification: Uncertain significance for Hereditary cancer-predisposing syndrome. Last evaluated: 2021-04-28. Review status: criteria provided, single submitter. Criteria: Ambry Variant Classification Scheme 2023. Collection method: clinical testing. Allele origin: germline.
Comment: The p.E1254K variant (also known as c.3760G>A), located in coding exon 8 of the MSH6 gene, results from a G to A substitution at nucleotide position 3760. The glutamic acid at codon 1254 is replaced by lysine, an amino acid with similar properties. This amino acid position is well conserved in available vertebrate species. In addition, this alteration is predicted to be deleterious by in silico analysis. Since supporting evidence is limited at this time, the clinical significance of this alteration remains unclear.